The following is an entry in ClinVar:

NM_001009944.3(PKD1):c.3793C>T (p.Leu1265=)

Gene: PKD1 (polycystin 1, transient receptor potential channel interacting; minus strand). Cytogenetic location: 16p13.3.
Variant type: single nucleotide variant.
Coding change: c.3793C>T on transcript NM_001009944.3 (MANE Select); coding-DNA position 3793, C replaced by T.
Protein change: p.Leu1265=; no amino-acid change (leucine 1265 retained).
Molecular consequence: synonymous variant.
Genome position (GRCh38, 1-based): chr16:2,111,374, G>A on the plus strand (C>T on the coding strand, the complement: PKD1 is on the minus strand). VCF-style: chr16-2111374-G-A. GRCh37 (hg19) VCF-style: chr16-2161375-G-A.
Other names: c.3793C>T, p.Leu1265= (NM_000296.4).
Identifiers: ClinVar variation 3905282 (VCV003905282.10).

ClinVar aggregate classification (germline): Likely benign (1 of 4 stars; one submission).

gnomAD v4.1: 23 of 1,611,156 alleles (0.0014%); highest among the groups gnomAD compares: Non-Finnish European, 0.0019%; no homozygotes.

Submission:

CeGaT Center for Human Genetics Tuebingen
Classification: Likely benign. Last evaluated: 2026-08-01. Review status: criteria provided, single submitter. Criteria: CeGaT Center For Human Genetics Tuebingen Variant Classification Criteria Version 2. Collection method: clinical testing. Allele origin: germline. Affected: yes. Observed: 2 variant alleles.
Comment: PKD1: BP4, BP7